The following is an entry in ClinVar:

ClinVar aggregate classification (germline): Likely pathogenic (1 of 4 stars; one submission).

Conditions:
Severe combined immunodeficiency, autosomal recessive, T cell-negative, B cell-negative, NK cell-negative, due to adenosine deaminase deficiency. Also called: SCID DUE TO ADA DEFICIENCY; SCID DUE TO ADA DEFICIENCY, EARLY-ONSET; ADA deficiency; Adenosine deaminase deficient severe combined immunodeficiency; Severe combined immunodeficiency due to ADA deficiency; Adenosine Deaminase Deficiency. Identifiers: Orphanet 277, MedGen C0392607, MONDO:0007064, OMIM 102700.

Submission:

Next Generation Genetic Polyclinic
Classification: Likely pathogenic for Severe combined immunodeficiency, autosomal recessive, T cell-negative, B cell-negative, NK cell-negative, due to adenosine deaminase deficiency. Last evaluated: 2025-03-06. Review status: criteria provided, single submitter. Criteria: ACMG Guidelines, 2015. Collection method: clinical testing. Allele origin: germline. Affected: yes. Observed: 1 variant allele.
Comment: Novel missense variant in ADA gene (c.289T>G; p.Tyr97Asp), affecting a highly conserved residue. In silico tools predict a damaging effect (SIFT, PolyPhen-2, REVEL). Variant is absent from gnomAD and other population databases (PM2). Sanger sequencing confirmed variant presence. No prior reports in ClinVar or literature. Currently, classified as Likely Pathogenic (LP). Meets ACMG criteria: PP3, PM2, PP2 (clinical phenotype supports ADA deficiency).

NM_000022.4(ADA):c.289T>G (p.Tyr97Asp)

Gene: ADA (adenosine deaminase; minus strand). Cytogenetic location: 20q13.12.
Variant type: single nucleotide variant.
Coding change: c.289T>G on transcript NM_000022.4 (MANE Select); coding-DNA position 289, T replaced by G.
Protein change: p.Tyr97Asp; replaces tyrosine 97 with aspartic acid.
Molecular consequence: missense variant. On other transcripts: 5 prime UTR variant (1), non-coding transcript variant (1).
Genome position (GRCh38, 1-based): chr20:44,626,529, A>C on the plus strand (T>G on the coding strand, the complement: ADA is on the minus strand). VCF-style: chr20-44626529-A-C. GRCh37 (hg19) VCF-style: chr20-43255170-A-C.
Other names: c.-1T>G (NM_001322050.2); c.289T>G, p.Tyr97Asp (NM_001322051.2); short protein forms Y97D.
Identifiers: ClinVar variation 4071543 (VCV004071543.1).
Genomic context (GRCh38, chr20:44,626,529, plus strand): 5'-AGGGGATTGGCTCCACTTTGGAGTTGGCCAGCAGGTGCGGACTGTACCGCACCTCCACAT[A>C]CACCACGCCCTCTTTGGCCTTCATCTCTACAAACTCATAGGCGATCCTTTTGATAGCCTC-3'
Protein context (NP_000013.2, residues 87-107): VEMKAKEGVV[Tyr97Asp]VEVRYSPHLL